The following is an entry in ClinVar:

ClinVar aggregate classification (germline): Uncertain significance. Review status: criteria provided, multiple submitters, no conflicts (2 of 4 stars). 2 submissions from 2 submitters: Uncertain significance (2). Last evaluated 2022-07-14.

Conditions:
Noonan syndrome (NS). Also called: Noonan's syndrome. Identifiers: Orphanet 648, MedGen C0028326, MeSH D009634, MONDO:0018997. Disease mechanism: gain of function.

Allele frequency attached by ClinVar (database versions not stated): gnomAD exomes below 0.00001 and 0.00001; ExAC 0.00001; gnomAD 0.00001.

Submissions (2):

Department of Pathology and Laboratory Medicine, Sinai Health System
Classification: Uncertain significance for Noonan syndrome. Last evaluated: 2022-07-14. Review status: criteria provided, single submitter. Criteria: ACMG Guidelines, 2015. Collection method: research. Allele origin: germline.

Labcorp Genetics (formerly Invitae), Labcorp
Classification: Uncertain significance. Last evaluated: 2021-07-15. Review status: criteria provided, single submitter. Criteria: Invitae Variant Classification Sherloc (09022015). Collection method: clinical testing. Allele origin: germline.
Comment: This variant has not been reported in the literature in individuals with A2ML1-related conditions. In summary, the available evidence is currently insufficient to determine the role of this variant in disease. Therefore, it has been classified as a Variant of Uncertain Significance. Algorithms developed to predict the effect of missense changes on protein structure and function output the following: SIFT: "Tolerated"; PolyPhen-2: "Benign"; Align-GVGD: "Class C0". The asparagine amino acid residue is found in multiple mammalian species, suggesting that this missense change does not adversely affect protein function. These predictions have not been confirmed by published functional studies and their clinical significance is uncertain. This variant is present in population databases (rs776595459, ExAC 0.001%). This sequence change replaces aspartic acid with asparagine at codon 477 of the A2ML1 protein (p.Asp477Asn). The aspartic acid residue is moderately conserved and there is a small physicochemical difference between aspartic acid and asparagine.

NM_144670.6(A2ML1):c.1429G>A (p.Asp477Asn)

Gene: A2ML1 (alpha-2-macroglobulin like 1; plus strand). Cytogenetic location: 12p13.31.
Variant type: single nucleotide variant.
Coding change: c.1429G>A on transcript NM_144670.6 (MANE Select); coding-DNA position 1429, G replaced by A.
Protein change: p.Asp477Asn; replaces aspartic acid 477 with asparagine.
Molecular consequence: missense variant.
Genome position (GRCh38, 1-based): chr12:8,843,314, G>A. VCF-style: chr12-8843314-G-A. GRCh37 (hg19) VCF-style: chr12-8995910-G-A.
Other names: short protein forms D477N.
Identifiers: ClinVar variation 1429554 (VCV001429554.9), dbSNP rs776595459, ClinGen allele CA6435648.